The following is an entry in ClinVar:

NM_001164508.2(NEB):c.9503C>T (p.Thr3168Ile)

Gene: NEB (nebulin; minus strand). Cytogenetic location: 2q23.3.
Variant type: single nucleotide variant.
Coding change: c.9503C>T on transcript NM_001164508.2 (MANE Select); coding-DNA position 9503, C replaced by T.
Protein change: p.Thr3168Ile; replaces threonine 3168 with isoleucine.
Molecular consequence: missense variant. On other transcripts: intron variant (1).
Genome position (GRCh38, 1-based): chr2:151,631,258, G>A on the plus strand (C>T on the coding strand, the complement: NEB is on the minus strand). VCF-style: chr2-151631258-G-A. GRCh37 (hg19) VCF-style: chr2-152487772-G-A.
Other names: c.9503C>T, p.Thr3168Ile (NM_001164507.2, NM_001271208.2); c.8854-80C>T (NM_004543.5); c.9503C>T (NM_001271208.1); short protein forms T3168I.
Identifiers: ClinVar variation 1011898 (VCV001011898.11), dbSNP rs2098661076, ClinGen allele CA348800942.

ClinVar aggregate classification (germline): Uncertain significance. Review status: criteria provided, multiple submitters, no conflicts (2 of 4 stars). 2 submissions from 2 submitters: Uncertain significance (2). Last evaluated 2020-02-27.

Conditions:
Nemaline myopathy 2 (NEM2). Also called: Nemaline myopathy 2, autosomal recessive. Identifiers: MedGen C1850569, MONDO:0009725, OMIM 256030.

Allele frequency attached by ClinVar (database versions not stated): gnomAD exomes below 0.00001.
gnomAD v4.1: 2 of 1,613,862 alleles (0.00012%); highest among the groups gnomAD compares: Non-Finnish European, 0.00017%; no homozygotes.

Submissions (2):

Labcorp Genetics (formerly Invitae), Labcorp
Classification: Uncertain significance for Nemaline myopathy 2. Last evaluated: 2020-02-27. Review status: criteria provided, single submitter. Criteria: Invitae Variant Classification Sherloc (09022015). Collection method: clinical testing. Allele origin: germline.
Comment: This sequence change replaces threonine with isoleucine at codon 3168 of the NEB protein (p.Thr3168Ile). The threonine residue is weakly conserved and there is a moderate physicochemical difference between threonine and isoleucine. In summary, the available evidence is currently insufficient to determine the role of this variant in disease. Therefore, it has been classified as a Variant of Uncertain Significance. This variant has not been reported in the literature in individuals with NEB-related conditions. This variant is not present in population databases (ExAC no frequency). Algorithms developed to predict the effect of missense changes on protein structure and function are either unavailable or do not agree on the potential impact of this missense change (SIFT: "Deleterious"; PolyPhen-2: "Not Available"; Align-GVGD: "Class C0").

Revvity Omics, Revvity
Classification: Uncertain significance. Last evaluated: 2019-06-12. Review status: criteria provided, single submitter. Criteria: ACMG Guidelines, 2015. Collection method: clinical testing. Allele origin: germline.